The following is an entry in ClinVar:

ClinVar aggregate classification (germline): Uncertain significance (1 of 4 stars; one submission).

Conditions:
Inborn genetic diseases. Identifiers: MedGen C0950123, MeSH D030342.

gnomAD v4.1: 1 of 1,614,106 alleles (0.000062%); highest among the groups gnomAD compares: Non-Finnish European, 0.000085%; no homozygotes.

Submission:

Ambry Genetics
Classification: Uncertain significance for Inborn genetic diseases. Last evaluated: 2025-04-13. Review status: criteria provided, single submitter. Criteria: Ambry Variant Classification Scheme 2023. Collection method: clinical testing. Allele origin: germline.
Comment: The p.E186K variant (also known as c.556G>A), located in coding exon 6 of the RTEL1 gene, results from a G to A substitution at nucleotide position 556. The glutamic acid at codon 186 is replaced by lysine, an amino acid with similar properties. This amino acid position is conserved. In addition, this alteration is predicted to be tolerated by in silico analysis. Based on the available evidence, the clinical significance of this variant remains unclear.

NM_001283009.2(RTEL1):c.556G>A (p.Glu186Lys)

Genes: RTEL1 (regulator of telomere elongation helicase 1; plus strand), RTEL1-TNFRSF6B (RTEL1-TNFRSF6B readthrough (NMD candidate); plus strand). Cytogenetic location: 20q13.33.
Variant type: single nucleotide variant.
Coding change: c.556G>A on transcript NM_001283009.2 (MANE Select); coding-DNA position 556, G replaced by A.
Protein change: p.Glu186Lys; replaces glutamic acid 186 with lysine.
Molecular consequence: missense variant. On other transcripts: non-coding transcript variant (1), 5 prime UTR variant (1).
Genome position (GRCh38, 1-based): chr20:63,666,021, G>A. VCF-style: chr20-63666021-G-A. GRCh37 (hg19) VCF-style: chr20-62297374-G-A.
Other names: c.-114G>A (NM_001283010.1); c.556G>A, p.Glu186Lys (NM_016434.4); c.628G>A, p.Glu210Lys (NM_032957.5); short protein forms E210K, E186K.
Identifiers: ClinVar variation 3948323 (VCV003948323.1).